The following is an entry in ClinVar:

ClinVar aggregate classification (germline): Conflicting classifications of pathogenicity. Review status: criteria provided, conflicting classifications (1 of 4 stars). 4 submissions from 4 submitters: Pathogenic (2); Uncertain significance (1). 1 of the submissions does not count toward it. Last evaluated 2026-04-09.

Conditions:
Hypopigmentation, organomegaly, and delayed myelination and development. Identifiers: MedGen C5203300, MONDO:0032805, OMIM 618541.
Autosomal dominant osteopetrosis 2. Also called: ALBERS-SCHONBERG DISEASE, AUTOSOMAL DOMINANT; MARBLE BONES, AUTOSOMAL DOMINANT; OSTEOSCLEROSIS FRAGILIS GENERALISATA; Autosomal Dominant Osteopetrosis Type II (ADOII); Osteopetroses; Marble bones. Identifiers: Orphanet 53, MedGen C3179239, MONDO:0008156, OMIM 166600.
Autosomal recessive osteopetrosis 4. Also called: CLCN7-Related Osteopetrosis; infantile malignant CLCN7-related recessive osteopetrosis. Identifiers: Orphanet 667, MedGen C1969106, MONDO:0012676, OMIM 611490.

Submissions (4):

Undiagnosed Diseases Network, NIH
Classification: Uncertain significance for Hypopigmentation, organomegaly, and delayed myelination and development. Last evaluated: 2026-04-09. Review status: criteria provided, single submitter. Criteria: ACMG Guidelines, 2015. Collection method: clinical testing. Allele origin: de novo. Affected: yes. Observed: 1 variant allele, 1 heterozygote. Study: Undiagnosed Diseases Network (NIH), UDN.
Comment: The CLCN7 c.2144A>G variant results in p.Tyr715Cys, a de novo missense change affecting a highly conserved residue in ClC-7. Functional studies demonstrate that this variant causes a gain-of-function effect. When expressed in Xenopus oocytes, p.Tyr715Cys ClC-7 produced approximately 3-fold increased outward chloride currents compared with wild-type ClC-7, without a corresponding increase in surface expression, indicating altered transporter activity rather than overexpression. Patient-derived fibroblasts showed significantly reduced lysosomal pH compared with control fibroblasts, consistent with lysosomal hyperacidification. The same cells exhibited enlarged intracellular vacuoles with endolysosomal features, and overexpression of p.Tyr715Cys CLCN7 in control fibroblasts recapitulated this vacuolar phenotype. A heterozygous knock-in mouse carrying the orthologous Clcn7 p.Tyr713Cys variant reproduced key human disease features, including hypopigmentation, lysosomal storage, enlarged vacuoles in fibroblasts, and brain white matter abnormalities, without osteopetrosis. Finally, treatment of patient fibroblasts with chloroquine normalized lysosomal pH and reduced the vacuolar phenotype, supporting a causal relationship between the variant-induced lysosomal hyperacidification and cellular pathology. Together, these data provide strong functional evidence that CLCN7 p.Tyr715Cys is pathogenic through a dominant gain-of-function mechanism affecting lysosomal acidification and storage.

Labcorp Genetics (formerly Invitae), Labcorp
Classification: Pathogenic. Last evaluated: 2022-05-23. Review status: criteria provided, single submitter. Criteria: Invitae Variant Classification Sherloc (09022015). Collection method: clinical testing. Allele origin: germline.
Comment: This variant is not present in population databases (gnomAD no frequency). This missense change has been observed in individual(s) with hypopigmentation, organomegaly, and delayed myelination and development (PMID: 31155284). In at least one individual the variant was observed to be de novo. ClinVar contains an entry for this variant (Variation ID: 372326). This sequence change replaces tyrosine, which is neutral and polar, with cysteine, which is neutral and slightly polar, at codon 715 of the CLCN7 protein (p.Tyr715Cys). For these reasons, this variant has been classified as Pathogenic. Experimental studies have shown that this missense change affects CLCN7 function (PMID: 31155284). Advanced modeling of protein sequence and biophysical properties (such as structural, functional, and spatial information, amino acid conservation, physicochemical variation, residue mobility, and thermodynamic stability) performed at Invitae indicates that this missense variant is expected to disrupt CLCN7 protein function.

GeneDx
Classification: Pathogenic. Last evaluated: 2018-03-19. Review status: criteria provided, single submitter. Criteria: GeneDx Variant Classification (06012015). Collection method: clinical testing. Allele origin: germline. Affected: yes.
Comment: The Y715C pathogenic variant in the CLCN7 gene has not been reported previously as a pathogenic variant nor as a benign variant, to our knowledge. The Y715C variant was not observed in approximately 6,400 individuals of European and African American ancestry in the NHLBI Exome Sequencing Project, indicating it is not a common benign variant in these populations. The Y715C variant is a non-conservative amino acid substitution, which is likely to impact secondary protein structure as these residues differ in polarity, charge, size and/or other properties. This substitution occurs at a position that is conserved across species. In silico analysis predicts this variant is probably damaging to the protein structure/function. We interpret Y715C as a pathogenic variant.

OMIM
Classification: Pathogenic for HYPOPIGMENTATION, ORGANOMEGALY, AND DELAYED MYELINATION AND DEVELOPMENT. Last evaluated: 2019-08-15. Review status: no assertion criteria provided. Collection method: literature only. Allele origin: germline. Not counted in ClinVar's aggregate classification.

Literature cited by the submitters: PubMed 31155284 (cited by 3 submitters).

NM_001287.6(CLCN7):c.2144A>G (p.Tyr715Cys)

Gene: CLCN7 (Cl-/H+ antiporter 7; minus strand). Cytogenetic location: 16p13.3.
Variant type: single nucleotide variant.
Coding change: c.2144A>G on transcript NM_001287.6 (MANE Select); coding-DNA position 2144, A replaced by G.
Protein change: p.Tyr715Cys; replaces tyrosine 715 with cysteine.
Molecular consequence: missense variant.
Genome position (GRCh38, 1-based): chr16:1,447,498, T>C on the plus strand (A>G on the coding strand, the complement: CLCN7 is on the minus strand). VCF-style: chr16-1447498-T-C. GRCh37 (hg19) VCF-style: chr16-1497499-T-C.
Other names: c.2072A>G, p.Tyr691Cys (NM_001114331.3); short protein forms Y715C, Y691C.
Identifiers: ClinVar variation 372326 (VCV000372326.11), dbSNP rs1057517718, ClinGen allele CA16042924.